The following is an entry in ClinVar:

ClinVar aggregate classification (germline): Uncertain significance (1 of 4 stars; one submission).

Conditions:
Cardiovascular phenotype. Identifiers: MedGen CN230736.

Submission:

Ambry Genetics
Classification: Uncertain significance for Cardiovascular phenotype. Last evaluated: 2023-02-23. Review status: criteria provided, single submitter. Criteria: Ambry Variant Classification Scheme 2023. Collection method: clinical testing. Allele origin: germline.
Comment: The p.D1511G variant (also known as c.4532A>G), located in coding exon 31 of the MYH7 gene, results from an A to G substitution at nucleotide position 4532. The aspartic acid at codon 1511 is replaced by glycine, an amino acid with similar properties. This amino acid position is highly conserved in available vertebrate species. In addition, this alteration is predicted to be deleterious by in silico analysis. Since supporting evidence is limited at this time, the clinical significance of this alteration remains unclear.

NM_000257.4(MYH7):c.4532A>G (p.Asp1511Gly)

Genes: MHRT (myosin heavy chain associated RNA transcript; plus strand), MYH7 (myosin heavy chain 7; minus strand). Cytogenetic location: 14q11.2.
Variant type: single nucleotide variant.
Coding change: c.4532A>G on transcript NM_000257.4 (MANE Select); coding-DNA position 4532, A replaced by G.
Protein change: p.Asp1511Gly; replaces aspartic acid 1511 with glycine.
Molecular consequence: missense variant. On other transcripts: non-coding transcript variant (1).
Genome position (GRCh38, 1-based): chr14:23,416,980, T>C on the plus strand (A>G on the coding strand, the complement: MYH7 is on the minus strand). VCF-style: chr14-23416980-T-C. GRCh37 (hg19) VCF-style: chr14-23886189-T-C.
Other names: c.4532A>G, p.Asp1511Gly (NM_001407004.1); short protein forms D1511G.
Identifiers: ClinVar variation 2448063 (VCV002448063.2), dbSNP rs730880802, ClinGen allele CA389038202.